The following is an entry in ClinVar:

NM_194454.3(KRIT1):c.1412-11_1412-9del

Gene: KRIT1 (KRIT1 ankyrin repeat containing; minus strand). Cytogenetic location: 7q21.2.
Variant type: Microsatellite.
Coding change: c.1412-11_1412-9del on transcript NM_194454.3 (MANE Select); 11 bases into the intron before coding-DNA position 1412 through 9 bases into the intron before coding-DNA position 1412, 3 bases deleted (ATG; older notation c.1412-11_1412-9delATG).
Molecular consequence: intron variant.
Genome position (GRCh38, 1-based): chr7:92,222,062-92,222,064, CAT deleted on the plus strand (ATG on the coding strand, the reverse complement: KRIT1 is on the minus strand); deleting any 3 consecutive bases within chr7:92,222,062-92,222,067 gives the same sequence; the c. name uses the placement nearest the transcript's 3' end. VCF-style (leftmost placement, unchanged base first): chr7-92222061-ACAT-A. GRCh37 (hg19) VCF-style: chr7-91851375-ACAT-A.
Other names: c.1412-11_1412-9del (NM_001350672.1, NM_001350676.1, NM_001350673.1 and 26 more transcripts); c.1268-11_1268-9del (NM_001350669.1, NM_001013406.2, NM_001350670.1); c.698-11_698-9del (NM_001350671.1).
Identifiers: ClinVar variation 4974664 (VCV004974664.1).

ClinVar aggregate classification (germline): Uncertain significance (1 of 4 stars; one submission).

Conditions:
Cerebral cavernous malformation (CCM). Also called: CAVERNOUS ANGIOMA, FAMILIAL; CAVERNOUS ANGIOMATOUS MALFORMATIONS; CEREBRAL CAPILLARY MALFORMATIONS; Cavernous Hemangioma of Brain; Cerebral cavernous hemangioma (type); Cerebral cavernous malformations. Identifiers: Orphanet 221061, MedGen C2919945, MONDO:0000820, OMIM 116860, HP:0033522.

Submission:

Clinical Genomics Laboratory, Washington University in St. Louis
Classification: Uncertain significance for Cerebral cavernous malformation. Last evaluated: 2025-10-18. Review status: criteria provided, single submitter. Criteria: ACMG Guidelines, 2015. Collection method: clinical testing. Allele origin: germline.
Comment: A KRIT1 c.1412-11_1412-9del variant was identified at a heterozygous allelic fraction of 51.4%, a frequency which may be consistent with it being of germline origin. This variant, to our knowledge, has not been reported in the medical literature or the ClinVar database. It is only observed on 1/1,608,680 alleles in the general population (gnomAD v4.1.0), indicating it is not a common variant. Computational predictors indicate that this variant would alter splicing, evidence that correlates to an impact of this variant on KRIT1 function. Due to limited information, and based on ACMG/AMP guidelines for variant interpretation (Richards S et al., PMID: 25741868), the clinical significance of this variant is uncertain at this time.